The following is an entry in ClinVar:

NM_058216.3(RAD51C):c.454_460del (p.Ala152fs)

Gene: RAD51C (RAD51 paralog C; plus strand). Cytogenetic location: 17q22.
Variant type: Deletion.
Coding change: c.454_460del on transcript NM_058216.3 (MANE Select); coding-DNA positions 454 to 460, 7 bases deleted (GCAGGTG; older notation c.454_460delGCAGGTG).
Protein change: p.Ala152fs; shifts the reading frame from alanine 152.
Molecular consequence: frameshift variant.
Genome position (GRCh38, 1-based): chr17:58,696,742-58,696,748, GCAGGTG deleted; deleting any 7 consecutive bases within chr17:58,696,739-58,696,748 gives the same sequence; the c. name uses the placement nearest the transcript's 3' end. VCF-style (leftmost placement, unchanged base first): chr17-58696738-AGTGGCAG-A. GRCh37 (hg19) VCF-style: chr17-56774099-AGTGGCAG-A.
Other names: short protein forms A152fs.
Identifiers: ClinVar variation 3148442 (VCV003148442.1), dbSNP rs2509281686, ClinGen allele CA2825002565.

ClinVar aggregate classification (germline): Pathogenic (1 of 4 stars; one submission).

Conditions:
Breast-ovarian cancer, familial, susceptibility to, 3. Also called: RAD51C-Related Breast/Ovarian Cancer. Identifiers: Orphanet 145, MedGen C3150659, MONDO:0013253, OMIM 613399.

Submission:

Myriad Genetics, Inc.
Classification: Pathogenic for Breast-ovarian cancer, familial, susceptibility to, 3. Last evaluated: 2024-01-02. Review status: criteria provided, single submitter. Criteria: Myriad Autosomal Dominant, Autosomal Recessive and X-Linked Classification Criteria (2023). Collection method: clinical testing. Allele origin: unknown.
Comment: This variant is considered pathogenic. This variant creates a frameshift predicted to result in premature protein truncation.